The following is an entry in ClinVar:

ClinVar aggregate classification (germline): Conflicting classifications of pathogenicity. Review status: criteria provided, conflicting classifications (1 of 4 stars). 3 submissions from 3 submitters: Likely pathogenic (2); Uncertain significance (1). Last evaluated 2026-05-05.

Conditions:
Dilated cardiomyopathy 1G (CMD1G). Identifiers: Orphanet 154, MedGen C1858763, MONDO:0011400, OMIM 604145.
Autosomal recessive limb-girdle muscular dystrophy type 2J (LGMDR10). Also called: Limb-girdle muscular dystrophy, type 2J; MUSCULAR DYSTROPHY, LIMB-GIRDLE, AUTOSOMAL RECESSIVE 10. Identifiers: Orphanet 140922, MedGen C1837342, MONDO:0012127, OMIM 608807.
TTN-related disorder. Also called: TTN-related condition; TTN-related disease; TTN-related disorders.
Cardiovascular phenotype. Identifiers: MedGen CN230736.

Submissions (3):

Ambry Genetics
Classification: Uncertain significance for Cardiovascular phenotype. Last evaluated: 2026-05-05. Review status: criteria provided, single submitter. Criteria: Ambry Variant Classification Scheme 2023. Collection method: clinical testing. Allele origin: germline.
Comment: The c.20377+1G>A intronic variant results from a G to A substitution one nucleotide after coding exon 80 of the TTN gene. This exon is located in the A-band region of the N2-B isoform of the titin protein and is constitutively expressed in TTN transcripts (percent spliced in or PSI 100%). This nucleotide position is highly conserved in available vertebrate species. In silico splice site analysis predicts that this alteration will weaken the native splice donor site. This variant disrupts the canonical splice site and is expected to cause aberrant splicing. However, although direct evidence is unavailable, this variant is predicted to result in an in-frame transcript that is not expected to trigger nonsense-mediated mRNA decay. The exact functional effect of the predicted splice impact is unknown. Based on the available evidence, the clinical significance of this variant remains unclear.

Labcorp Genetics (formerly Invitae), Labcorp
Classification: Likely pathogenic for Dilated cardiomyopathy 1G; Autosomal recessive limb-girdle muscular dystrophy type 2J. Last evaluated: 2024-07-01. Review status: criteria provided, single submitter. Criteria: Invitae Variant Classification Sherloc (09022015). Collection method: clinical testing. Allele origin: germline.
Comment: This sequence change affects a donor splice site in intron 253 of the TTN gene. It is expected to disrupt RNA splicing and likely results in a truncated or disrupted TTN protein. This variant is not present in population databases (gnomAD no frequency). This variant has not been reported in the literature in individuals affected with TTN-related conditions. Algorithms developed to predict the effect of sequence changes on RNA splicing suggest that this variant may disrupt the consensus splice site. This variant is located in the A band of TTN (PMID: 25589632). Truncating variants in this region are significantly overrepresented in patients affected with dilated cardiomyopathy (PMID: 25589632). Truncating variants in this region have also been reported in individuals affected with autosomal recessive centronuclear myopathy (PMID: 23975875). In summary, the currently available evidence indicates that the variant is pathogenic, but additional data are needed to prove that conclusively. Therefore, this variant has been classified as Likely Pathogenic.

Blueprint Genetics
Classification: Likely pathogenic for TTN-related disorders. Last evaluated: 2022-08-16. Review status: criteria provided, single submitter. Criteria: ACMG Guidelines, 2015. Collection method: clinical testing. Allele origin: germline. Affected: yes. Observed: 1 variant allele.

Literature cited by the submitters: PubMed 25589632 (cited by Labcorp Genetics (formerly Invitae), Labcorp); PubMed 23975875 (cited by Labcorp Genetics (formerly Invitae), Labcorp).

NM_001267550.2(TTN):c.47572+1G>A

Genes: TTN (titin; minus strand), TTN-AS1 (TTN antisense RNA 1; plus strand). Cytogenetic location: 2q31.2.
Variant type: single nucleotide variant.
Coding change: c.47572+1G>A on transcript NM_001267550.2 (MANE Select); the canonical splice donor site of the intron after coding-DNA position 47572, G replaced by A.
Molecular consequence: splice donor variant.
Genome position (GRCh38, 1-based): chr2:178,617,778, C>T on the plus strand (G>A on the coding strand, the complement: TTN is on the minus strand). VCF-style: chr2-178617778-C-T. GRCh37 (hg19) VCF-style: chr2-179482505-C-T.
Other names: c.20377+1G>A (NM_003319.4); c.20953+1G>A (NM_133437.4); c.20752+1G>A (NM_133432.3); c.39868+1G>A (NM_133378.4); c.42649+1G>A (NM_001256850.1).
Identifiers: ClinVar variation 3757090 (VCV003757090.4).